The following is an entry in ClinVar:

NM_001048174.2(MUTYH):c.692C>A (p.Ser231Tyr)

Gene: MUTYH (mutY DNA glycosylase; minus strand). Cytogenetic location: 1p34.1.
Variant type: single nucleotide variant.
Coding change: c.692C>A on transcript NM_001048174.2 (MANE Select); coding-DNA position 692, C replaced by A.
Protein change: p.Ser231Tyr; replaces serine 231 with tyrosine.
Molecular consequence: missense variant. On other transcripts: non-coding transcript variant (7).
Genome position (GRCh38, 1-based): chr1:45,332,403, G>T on the plus strand (C>A on the coding strand, the complement: MUTYH is on the minus strand). VCF-style: chr1-45332403-G-T. GRCh37 (hg19) VCF-style: chr1-45798075-G-T.
Other names: c.695C>A, p.Ser232Tyr (NM_001048172.2, NM_001407078.1, NM_001407086.1 and 1 more transcripts); c.692C>A, p.Ser231Tyr (NM_001048173.2, NM_001293195.2, NM_001407081.1 and 6 more transcripts); c.776C>A, p.Ser259Tyr (NM_001128425.2); c.737C>A, p.Ser246Tyr (NM_001293190.2); c.725C>A, p.Ser242Tyr (NM_001293191.2, NM_001407069.1, NM_001407077.1); c.416C>A, p.Ser139Tyr (NM_001293192.2, NM_001407091.1, NM_001293196.2); c.653C>A, p.Ser218Tyr (NM_001407079.1); c.650C>A, p.Ser217Tyr (NM_001407080.1); and 5 more; short protein forms S218Y, S231Y, S242Y, S246Y, S116Y, S232Y, S238Y, S245Y.
Identifiers: ClinVar variation 4113830 (VCV004113830.1).

ClinVar aggregate classification (germline): Uncertain significance (1 of 4 stars; one submission).

Conditions:
Hereditary cancer-predisposing syndrome. Also called: Hereditary neoplastic syndrome; Neoplastic Syndromes, Hereditary; Tumor predisposition; Hereditary Cancer Syndrome. Identifiers: Orphanet 140162, MedGen C0027672, MeSH D009386, MONDO:0015356.

Submission:

Ambry Genetics
Classification: Uncertain significance for Hereditary cancer-predisposing syndrome. Last evaluated: 2025-08-27. Review status: criteria provided, single submitter. Criteria: Ambry Variant Classification Scheme 2023. Collection method: clinical testing. Allele origin: germline.
Comment: The p.S259Y variant (also known as c.776C>A), located in coding exon 9 of the MUTYH gene, results from a C to A substitution at nucleotide position 776. The serine at codon 259 is replaced by tyrosine, an amino acid with dissimilar properties. This amino acid position is conserved. In addition, the in silico prediction for this alteration is inconclusive. Based on the available evidence, the clinical significance of this variant remains unclear.